The following is an entry in ClinVar:

ClinVar aggregate classification (germline): Likely benign (1 of 4 stars; one submission).

Allele frequency attached by ClinVar (database versions not stated): 1000 Genomes Project 30x 0.00094; 1000 Genomes Project 0.00100; TOPMed 0.00209; gnomAD 0.00307 and 0.00328; gnomAD exomes 0.00443.
gnomAD v4.1: 4,306 of 1,033,146 alleles (0.42%); highest among the groups gnomAD compares: Non-Finnish European, 0.45%; 18 homozygotes.

Submission:

GeneDx
Classification: Likely benign. Last evaluated: 2018-06-16. Review status: criteria provided, single submitter. Criteria: GeneDx Variant Classification (06012015). Collection method: clinical testing. Allele origin: germline. Affected: yes.
Comment: This variant is considered likely benign or benign based on one or more of the following criteria: it is a conservative change, it occurs at a poorly conserved position in the protein, it is predicted to be benign by multiple in silico algorithms, and/or has population frequency not consistent with disease.

NM_014254.3(RXYLT1):c.170-103A>T

Gene: RXYLT1 (ribitol xylosyltransferase 1; plus strand). Cytogenetic location: 12q14.2.
Variant type: single nucleotide variant.
Coding change: c.170-103A>T on transcript NM_014254.3 (MANE Select); 103 bases into the intron before coding-DNA position 170, A replaced by T.
Molecular consequence: intron variant.
Genome position (GRCh38, 1-based): chr12:63,780,916, A>T. VCF-style: chr12-63780916-A-T. GRCh37 (hg19) VCF-style: chr12-64174696-A-T.
Other names: c.-611-103A>T (NM_001278237.2).
Identifiers: ClinVar variation 670749 (VCV000670749.1), dbSNP rs527439304, ClinGen allele CA238224284.